The following is an entry in ClinVar:

ClinVar aggregate classification (germline): Uncertain significance (1 of 4 stars; one submission).

Conditions:
Oculofaciocardiodental syndrome (MCOPS2). Identifiers: Orphanet 2712, MedGen C1846265, MONDO:0010261, OMIM 300166.

Submission:

Labcorp Genetics (formerly Invitae), Labcorp
Classification: Uncertain significance for Oculofaciocardiodental syndrome. Last evaluated: 2023-09-01. Review status: criteria provided, single submitter. Criteria: Invitae Variant Classification Sherloc (09022015). Collection method: clinical testing. Allele origin: germline.
Comment: This sequence change replaces proline, which is neutral and non-polar, with alanine, which is neutral and non-polar, at codon 1243 of the BCOR protein (p.Pro1243Ala). This variant is not present in population databases (gnomAD no frequency). This variant has not been reported in the literature in individuals affected with BCOR-related conditions. Advanced modeling of protein sequence and biophysical properties (such as structural, functional, and spatial information, amino acid conservation, physicochemical variation, residue mobility, and thermodynamic stability) performed at Invitae indicates that this missense variant is not expected to disrupt BCOR protein function. In summary, the available evidence is currently insufficient to determine the role of this variant in disease. Therefore, it has been classified as a Variant of Uncertain Significance.

NM_001123385.2(BCOR):c.3829C>G (p.Pro1277Ala)

Gene: BCOR (BCL6 corepressor; minus strand). Cytogenetic location: Xp11.4.
Variant type: single nucleotide variant.
Coding change: c.3829C>G on transcript NM_001123385.2 (MANE Select); coding-DNA position 3829, C replaced by G.
Protein change: p.Pro1277Ala; replaces proline 1277 with alanine.
Molecular consequence: missense variant.
Genome position (GRCh38, 1-based): chrX:40,063,626, G>C on the plus strand (C>G on the coding strand, the complement: BCOR is on the minus strand). VCF-style: chrX-40063626-G-C. GRCh37 (hg19) VCF-style: chrX-39922879-G-C.
Other names: c.3727C>G, p.Pro1243Ala (NM_001123383.2, NM_017745.6); c.3673C>G, p.Pro1225Ala (NM_001123384.2); short protein forms P1277A, P1225A, P1243A.
Identifiers: ClinVar variation 2757185 (VCV002757185.3), dbSNP rs2519639021, ClinGen allele CA412737972.